The following is an entry in ClinVar:

NM_001242896.3(DEPDC5):c.3002G>A (p.Arg1001His)

Gene: DEPDC5 (DEP domain containing 5, GATOR1 subcomplex subunit; plus strand). Cytogenetic location: 22q12.3.
Variant type: single nucleotide variant.
Coding change: c.3002G>A on transcript NM_001242896.3 (MANE Select); coding-DNA position 3002, G replaced by A.
Protein change: p.Arg1001His; replaces arginine 1001 with histidine.
Molecular consequence: missense variant. On other transcripts: non-coding transcript variant (5).
Genome position (GRCh38, 1-based): chr22:31,845,218, G>A. VCF-style: chr22-31845218-G-A. GRCh37 (hg19) VCF-style: chr22-32241204-G-A.
Other names: c.3002G>A, p.Arg1001His (NM_001364320.2, NM_001363852.2, NM_001364318.2); c.2918G>A, p.Arg973His (NM_001369901.1, NM_001369902.1); c.2975G>A, p.Arg992His (NM_001369903.1, NM_014662.6, NM_001136029.4); c.2768G>A, p.Arg923His (NM_001242897.2, NM_001363854.2, NM_001364319.2); short protein forms R992H, R973H, R1001H, R923H.
Identifiers: ClinVar variation 1033379 (VCV001033379.2), dbSNP rs1473617562, ClinGen allele CA411291460.

ClinVar aggregate classification (germline): Uncertain significance. Review status: criteria provided, multiple submitters, no conflicts (2 of 4 stars). 2 submissions from 2 submitters: Uncertain significance (2). Last evaluated 2025-04-13.

Conditions:
Inborn genetic diseases. Identifiers: MedGen C0950123, MeSH D030342.
Epilepsy, familial focal, with variable foci 1 (FFEVF1). Also called: DEPDC5-Related Epilepsy. Identifiers: MedGen C4551983, MONDO:0024556, OMIM 604364.

Allele frequency attached by ClinVar (database versions not stated): gnomAD 0.00001 and 0.00002; gnomAD exomes 0.00001; TOPMed 0.00001.
gnomAD v4.1: 7 of 1,613,820 alleles (0.00043%); highest among the groups gnomAD compares: Middle Eastern, 0.016%; no homozygotes.

Submissions (2):

Ambry Genetics
Classification: Uncertain significance for Inborn genetic diseases. Last evaluated: 2025-04-13. Review status: criteria provided, single submitter. Criteria: Ambry Variant Classification Scheme 2023. Collection method: clinical testing. Allele origin: germline.

Baylor Genetics
Classification: Uncertain significance for Epilepsy, familial focal, with variable foci 1. Last evaluated: 2018-05-08. Review status: criteria provided, single submitter. Criteria: ACMG Guidelines, 2015. Collection method: clinical testing. Allele origin: de novo. Affected: yes.
Comment: This variant was determined to be of uncertain significance according to ACMG Guidelines, 2015 [PMID:25741868].